The following is an entry in ClinVar:

ClinVar aggregate classification (germline): Pathogenic (1 of 4 stars; one submission).

Conditions:
Fetal akinesia deformation sequence 1 (FADS1). Also called: Pena-Shokeir syndrome type I; Fetal akinesia sequence. Identifiers: Orphanet 994, MedGen C1276035, MONDO:0100101, OMIM 208150, HP:0001989.
Congenital myasthenic syndrome 9. Also called: Myasthenic syndrome, congenital, 9, associated with acetylcholine receptor deficiency. Identifiers: Orphanet 590, MedGen C4225368, MONDO:0014587, OMIM 616325.

Submission:

Labcorp Genetics (formerly Invitae), Labcorp
Classification: Pathogenic for Congenital myasthenic syndrome 9; Fetal akinesia deformation sequence 1. Last evaluated: 2023-03-28. Review status: criteria provided, single submitter. Criteria: Invitae Variant Classification Sherloc (09022015). Collection method: clinical testing. Allele origin: germline.
Comment: This sequence change creates a premature translational stop signal (p.Glu290Argfs*14) in the MUSK gene. It is expected to result in an absent or disrupted protein product. Loss-of-function variants in MUSK are known to be pathogenic (PMID: 8653786, 25612909, 25695962, 25900532). This variant is not present in population databases (gnomAD no frequency). For these reasons, this variant has been classified as Pathogenic. This variant has not been reported in the literature in individuals affected with MUSK-related conditions.

Literature cited by the submitters: PubMed 8653786; PubMed 25612909; PubMed 25695962; PubMed 25900532.

NM_005592.4(MUSK):c.868del (p.Glu290fs)

Gene: MUSK (muscle associated receptor tyrosine kinase; plus strand). Cytogenetic location: 9q31.3.
Variant type: Deletion.
Coding change: c.868del on transcript NM_005592.4 (MANE Select); coding-DNA position 868, one base deleted (G; older notation c.868delG).
Protein change: p.Glu290fs; shifts the reading frame from glutamic acid 290.
Molecular consequence: frameshift variant. On other transcripts: 5 prime UTR variant (1).
Genome position (GRCh38, 1-based): chr9:110,747,755, G deleted; the last of 4 consecutive G bases (chr9:110,747,752-110,747,755); deleting any one gives the same sequence. VCF-style (leftmost placement, unchanged base first): chr9-110747751-TG-T. GRCh37 (hg19) VCF-style: chr9-113510031-TG-T.
Other names: c.898del, p.Glu300fs (NM_001166280.2); c.868del, p.Glu290fs (NM_001166281.2); c.-369del (NM_001369398.1); short protein forms E290fs, E300fs.
Identifiers: ClinVar variation 2945921 (VCV002945921.3), dbSNP rs34580936, ClinGen allele CA2740095570.